The following is an entry in ClinVar:

ClinVar aggregate classification (germline): Uncertain significance (1 of 4 stars; one submission).

Conditions:
Inborn genetic diseases. Identifiers: MedGen C0950123, MeSH D030342.

gnomAD v4.1: 2 of 1,614,176 alleles (0.00012%); highest among the groups gnomAD compares: Non-Finnish European, 0.00017%; no homozygotes.

Submission:

Ambry Genetics
Classification: Uncertain significance for Inborn genetic diseases. Last evaluated: 2026-08-29. Review status: criteria provided, single submitter. Criteria: Ambry Variant Classification Scheme 2023. Collection method: clinical testing. Allele origin: germline.
Comment: The p.E369V variant (also known as c.1106A>T), located in coding exon 12 of the ASXL1 gene, results from an A to T substitution at nucleotide position 1106. The glutamic acid at codon 369 is replaced by valine, an amino acid with dissimilar properties. This amino acid position is conserved. In addition, this alteration is predicted to be tolerated by in silico analysis. Based on the available evidence, the clinical significance of this variant remains unclear.

NM_015338.6(ASXL1):c.1106A>T (p.Glu369Val)

Gene: ASXL1 (ASXL transcriptional regulator 1; plus strand). Cytogenetic location: 20q11.21.
Variant type: single nucleotide variant.
Coding change: c.1106A>T on transcript NM_015338.6 (MANE Select); coding-DNA position 1106, A replaced by T.
Protein change: p.Glu369Val; replaces glutamic acid 369 with valine.
Molecular consequence: missense variant.
Genome position (GRCh38, 1-based): chr20:32,433,304, A>T. VCF-style: chr20-32433304-A-T. GRCh37 (hg19) VCF-style: chr20-31021107-A-T.
Other names: c.923A>T, p.Glu308Val (NM_001363734.1); short protein forms E308V, E369V.
Identifiers: ClinVar variation 5030472 (VCV005030472.1).